The following is an entry in ClinVar:

NM_020975.6(RET):c.1437C>G (p.Ala479=)

Gene: RET (ret proto-oncogene; plus strand). Cytogenetic location: 10q11.21.
Variant type: single nucleotide variant.
Coding change: c.1437C>G on transcript NM_020975.6 (MANE Select); coding-DNA position 1437, C replaced by G.
Protein change: p.Ala479=; no amino-acid change (alanine 479 retained).
Molecular consequence: synonymous variant. On other transcripts: intron variant (15).
Genome position (GRCh38, 1-based): chr10:43,111,380, C>G. VCF-style: chr10-43111380-C-G. GRCh37 (hg19) VCF-style: chr10-43606828-C-G.
Other names: c.1308C>G, p.Ala436= (NM_001406768.1, NM_001406761.1, NM_001406762.1 and 1 more transcripts); c.1041C>G, p.Ala347= (NM_001406769.1, NM_001406772.1); c.1149C>G, p.Ala383= (NM_001406770.1, NM_001406766.1, NM_001406767.1); c.999C>G, p.Ala333= (NM_001406771.1, NM_001406773.1); c.912C>G, p.Ala304= (NM_001406774.1); c.711C>G, p.Ala237= (NM_001406776.1, NM_001406775.1, NM_001406777.1 and 1 more transcripts); c.1437C>G, p.Ala479= (NM_000323.2, NM_001406743.1, NM_001406744.1 and 6 more transcripts); c.675C>G, p.Ala225= (NM_001355216.2); and 5 more.
Identifiers: ClinVar variation 3075400 (VCV003075400.4), dbSNP rs576806356, ClinGen allele CA469479926.

ClinVar aggregate classification (germline): Likely benign. Review status: criteria provided, multiple submitters, no conflicts (2 of 4 stars). 3 submissions from 3 submitters: Likely benign (3). Last evaluated 2025-03-08.

Conditions:
Hereditary cancer-predisposing syndrome. Also called: Neoplastic Syndromes, Hereditary; Tumor predisposition; Hereditary neoplastic syndrome; Hereditary Cancer Syndrome. Identifiers: Orphanet 140162, MedGen C0027672, MeSH D009386, MONDO:0015356.
Multiple endocrine neoplasia, type 2 (MEN2). Identifiers: Orphanet 653, MedGen C4048306, MONDO:0019003. Disease mechanism: gain of function.

Submissions (3):

Ambry Genetics
Classification: Likely benign for Hereditary cancer-predisposing syndrome. Last evaluated: 2025-03-08. Review status: criteria provided, single submitter. Criteria: Ambry Variant Classification Scheme 2023. Collection method: clinical testing. Allele origin: germline.

Labcorp Genetics (formerly Invitae), Labcorp
Classification: Likely benign for Multiple endocrine neoplasia, type 2. Last evaluated: 2024-05-23. Review status: criteria provided, single submitter. Criteria: Invitae Variant Classification Sherloc (09022015). Collection method: clinical testing. Allele origin: germline.

All of Us Research Program, National Institutes of Health
Classification: Likely benign for Multiple endocrine neoplasia, type 2. Last evaluated: 2024-02-05. Review status: criteria provided, single submitter. Criteria: ACMG Guidelines, 2015. Collection method: clinical testing. Allele origin: germline. Inheritance: Autosomal dominant inheritance. Observed: 1 variant allele, 1 heterozygote.
Comment: This study involves interpretation of variants in research participants for the purpose of population health screening. Participant phenotype was not available at the time of variant classification. Additional details can be found in publication PMID: 35346344, PMCID: PMC8962531